The following is an entry in ClinVar:

Conditions:
Breast-ovarian cancer, familial, susceptibility to, 1 (BROVCA1). Also called: BRCA1 Hereditary Breast and Ovarian Cancer; OVARIAN CANCER, SUSCEPTIBILITY TO. Identifiers: Orphanet 145, MedGen C2676676, MONDO:0011450, OMIM 604370. Disease mechanism: loss of function.

Submission:

Brotman Baty Institute, University of Washington
No classification provided (evidence only). Condition: Breast-ovarian cancer, familial 1. Review status: no classification provided. Collection method: in vitro. Allele origin: not applicable. Functional consequence: functionally_normal.
ClinVar note: "not provided" was previously submitted as the classification for the variant. However, the classification appeared to be based only on an observation of functional data so it was converted to no classification on 2025-07-30.

NM_007294.4(BRCA1):c.5502C>A (p.Thr1834=)

Gene: BRCA1 (BRCA1 DNA repair associated; minus strand). Cytogenetic location: 17q21.31.
Variant type: single nucleotide variant.
Coding change: c.5502C>A on transcript NM_007294.4 (MANE Select); coding-DNA position 5502, C replaced by A.
Protein change: p.Thr1834=; no amino-acid change (threonine 1834 retained).
Molecular consequence: synonymous variant. On other transcripts: 3 prime UTR variant (17).
Genome position (GRCh38, 1-based): chr17:43,045,768, G>T on the plus strand (C>A on the coding strand, the complement: BRCA1 is on the minus strand). VCF-style: chr17-43045768-G-T. GRCh37 (hg19) VCF-style: chr17-41197785-G-T.
Other names: c.5376C>A, p.Thr1792= (NM_001407673.1, NM_001407674.1, NM_001407675.1 and 8 more transcripts); c.5373C>A, p.Thr1791= (NM_001407681.1, NM_001407682.1, NM_001407683.1 and 6 more transcripts); c.5370C>A, p.Thr1790= (NM_001407690.1, NM_001407691.1); c.5361C>A, p.Thr1787= (NM_001407692.1, NM_001407694.1, NM_001407695.1 and 12 more transcripts); c.5358C>A, p.Thr1786= (NM_001407732.1, NM_001407733.1, NM_001407734.1 and 18 more transcripts); c.5355C>A, p.Thr1785= (NM_001407838.1, NM_001407839.1, NM_001407841.1 and 12 more transcripts); c.*16C>A (NM_001407854.1, NM_001407858.1, NM_001407859.1 and 14 more transcripts); c.5301C>A, p.Thr1767= (NM_001407862.1); and 74 more.
Identifiers: ClinVar variation 864942 (VCV000864942.3), dbSNP rs1057520459, ClinGen allele CA500142914.
Genomic context (GRCh38, chr17:43,045,768, plus strand): 5'-CAGGTAGGTGTCCAGCTCCTGGCACTGGTAGAGTGCTACACTGTCCAACACCCACTCTCG[G>T]GTCACCACAGGTGCCTCACACATCTGCCCAATTGCTGGAGACAGAGAACACAAGCAGAGA-3'
Protein context (NP_009225.1, residues 1824-1844): IGQMCEAPVV[Thr1834=]REWVLDSVAL